The following is an entry in ClinVar:

ClinVar aggregate classification (germline): Benign/Likely benign. Review status: criteria provided, multiple submitters, no conflicts (2 of 4 stars). 3 submissions from 3 submitters: Benign (2); Likely benign (1). Last evaluated 2026-01-05.

Conditions:
Doyne honeycomb retinal dystrophy (DHRD). Also called: DOYNE HONEYCOMB DEGENERATION OF RETINA; MALATTIA LEVENTINESE; DRUSEN, RADIAL, AUTOSOMAL DOMINANT. Identifiers: Orphanet 75376, MedGen C1832174, MONDO:0007471, OMIM 126600.

Allele frequency attached by ClinVar (database versions not stated): ESP Exome Variant Server 0.00023; gnomAD exomes 0.00024 and 0.00115; 1000 Genomes Project 30x 0.00265; 1000 Genomes Project 0.00300; ExAC 0.00099; TOPMed 0.00104.
gnomAD v4.1: 557 of 1,613,654 alleles (0.035%); highest among the groups gnomAD compares: East Asian, 0.72%; 4 homozygotes.

Submissions (3):

Labcorp Genetics (formerly Invitae), Labcorp
Classification: Benign. Last evaluated: 2026-01-05. Review status: criteria provided, single submitter. Criteria: Invitae Variant Classification Sherloc (09022015). Collection method: clinical testing. Allele origin: germline.

Blueprint Genetics
Classification: Likely benign. Last evaluated: 2024-11-21. Review status: criteria provided, single submitter. Criteria: ACMG Guidelines, 2015. Collection method: clinical testing. Allele origin: germline.

Illumina Laboratory Services, Illumina
Classification: Benign for Doyne honeycomb retinal dystrophy. Last evaluated: 2018-01-12. Review status: criteria provided, single submitter. Criteria: ICSL Variant Classification Criteria 13 December 2019. Collection method: clinical testing. Allele origin: germline.
Comment: This variant was observed in the ICSL laboratory as part of a predisposition screen in an ostensibly healthy population. It had not been previously curated by ICSL or reported in the Human Gene Mutation Database (HGMD: prior to June 1st, 2018), and was therefore a candidate for classification through an automated scoring system. Utilizing variant allele frequency, disease prevalence and penetrance estimates, and inheritance mode, an automated score was calculated to assess if this variant is too frequent to cause the disease. Based on the score and internal cut-off values, a variant classified as benign is not then subjected to further curation. The score for this variant resulted in a classification of benign for this disease.

NM_001039348.3(EFEMP1):c.1160G>A (p.Arg387Gln)

Gene: EFEMP1 (EGF-like fibulin extracellular matrix protein 1; minus strand). Cytogenetic location: 2p16.1.
Variant type: single nucleotide variant.
Coding change: c.1160G>A on transcript NM_001039348.3 (MANE Select); coding-DNA position 1160, G replaced by A.
Protein change: p.Arg387Gln; replaces arginine 387 with glutamine.
Molecular consequence: missense variant.
Genome position (GRCh38, 1-based): chr2:55,870,880, C>T on the plus strand (G>A on the coding strand, the complement: EFEMP1 is on the minus strand). VCF-style: chr2-55870880-C-T. GRCh37 (hg19) VCF-style: chr2-56098015-C-T.
Other names: c.1160G>A, p.Arg387Gln (NM_001039349.3); short protein forms R387Q.
Identifiers: ClinVar variation 336621 (VCV000336621.14), dbSNP rs146446706, ClinGen allele CA1668729.